The following is an entry in ClinVar:

ClinVar aggregate classification (germline): Conflicting classifications of pathogenicity. Review status: criteria provided, conflicting classifications (1 of 4 stars). 3 submissions from 3 submitters: Uncertain significance (2); Likely benign (1). Last evaluated 2026-04-01.

Allele frequency attached by ClinVar (database versions not stated): gnomAD exomes 0.00001; gnomAD 0.00009 and 0.00045.
gnomAD v4.1: 75 of 1,492,326 alleles (0.005%); highest among the groups gnomAD compares: Admixed American, 0.015%; 1 homozygote.

Submissions (3):

CeGaT Center for Human Genetics Tuebingen
Classification: Likely benign. Last evaluated: 2026-04-01. Review status: criteria provided, single submitter. Criteria: CeGaT Center For Human Genetics Tuebingen Variant Classification Criteria Version 2. Collection method: clinical testing. Allele origin: germline. Affected: yes. Observed: 2 variant alleles.
Comment: TOP2B: BP4, BS2

Labcorp Genetics (formerly Invitae), Labcorp
Classification: Uncertain significance. Last evaluated: 2026-02-01. Review status: criteria provided, single submitter. Criteria: Invitae Variant Classification Sherloc (09022015). Collection method: clinical testing. Allele origin: germline.
Comment: This sequence change replaces aspartic acid, which is acidic and polar, with glutamic acid, which is acidic and polar, at codon 1433 of the TOP2B protein (p.Asp1433Glu). The frequency data for this variant in the population databases is considered unreliable, as metrics indicate poor data quality at this position in the gnomAD database. This variant has not been reported in the literature in individuals affected with TOP2B-related conditions. ClinVar contains an entry for this variant (Variation ID: 1365651). An algorithm developed to predict the effect of missense changes on protein structure and function outputs the following: PolyPhen-2: "Benign". The glutamic acid amino acid residue is found in multiple mammalian species, which suggests that this missense change does not adversely affect protein function. In summary, the available evidence is currently insufficient to determine the role of this variant in disease. Therefore, it has been classified as a Variant of Uncertain Significance.

Ambry Genetics
Classification: Uncertain significance. Last evaluated: 2023-12-30. Review status: criteria provided, single submitter. Criteria: Ambry Variant Classification Scheme 2023. Collection method: clinical testing. Allele origin: germline.

NM_001330700.2(TOP2B):c.4314C>A (p.Asp1438Glu)

Gene: TOP2B (DNA topoisomerase II beta; minus strand). Cytogenetic location: 3p24.2.
Variant type: single nucleotide variant.
Coding change: c.4314C>A on transcript NM_001330700.2 (MANE Select); coding-DNA position 4314, C replaced by A.
Protein change: p.Asp1438Glu; replaces aspartic acid 1438 with glutamic acid.
Molecular consequence: missense variant.
Genome position (GRCh38, 1-based): chr3:25,606,107, G>T on the plus strand (C>A on the coding strand, the complement: TOP2B is on the minus strand). VCF-style: chr3-25606107-G-T. GRCh37 (hg19) VCF-style: chr3-25647598-G-T.
Other names: c.4299C>A (NM_001068.2); c.4299C>A, p.Asp1433Glu (NM_001068.3); short protein forms D1433E, D1438E.
Identifiers: ClinVar variation 1365651 (VCV001365651.14), dbSNP rs944696965, ClinGen allele CA71623093.